The following is an entry in ClinVar:

NM_000032.5(ALAS2):c.146C>T (p.Ser49Phe)

Genes: ALAS2 (5'-aminolevulinate synthase 2; minus strand), LOC108663984 (ALAS2 intron 1 and 3 erythroid regulatory elements; plus strand). Cytogenetic location: Xp11.21.
Variant type: single nucleotide variant.
Coding change: c.146C>T on transcript NM_000032.5 (MANE Select); coding-DNA position 146, C replaced by T.
Protein change: p.Ser49Phe; replaces serine 49 with phenylalanine.
Molecular consequence: missense variant.
Genome position (GRCh38, 1-based): chrX:55,025,855, G>A on the plus strand (C>T on the coding strand, the complement: ALAS2 is on the minus strand). VCF-style: chrX-55025855-G-A. GRCh37 (hg19) VCF-style: chrX-55052288-G-A.
Other names: c.146C>T, p.Ser49Phe (NM_001037967.4); c.218C>T, p.Ser73Phe (NM_001037968.4); short protein forms S49F, S73F.
Identifiers: ClinVar variation 3062098 (VCV003062098.1), dbSNP rs1377796468, ClinGen allele CA413296766.

ClinVar aggregate classification (germline): Uncertain significance (1 of 4 stars; one submission).

Conditions:
X-linked sideroblastic anemia 1. Also called: Erythroid 5-aminolevulinate synthase deficiency; X chromosome-linked sideroblastic anemia; X-linked pyridoxine-refractory sideroblastic anemia; ANEMIA, SIDEROBLASTIC, 1, PYRIDOXINE REFRACTORY; Anemia, hereditary sideroblastic 1, pyridoxine refractory; Anemia, sideroblastic, 1. Identifiers: Orphanet 75563, MedGen C4551511, MONDO:0020721, OMIM 300751. Disease mechanism: loss of function.

Allele frequency attached by ClinVar (database versions not stated): gnomAD exomes below 0.00001; TOPMed below 0.00001; gnomAD 0.00002.
gnomAD v4.1: 3 of 1,209,835 alleles (0.00025%); highest among the groups gnomAD compares: East Asian, 0.003%; no homozygotes.

Submission:

Illumina Laboratory Services, Illumina
Classification: Uncertain significance for X-linked sideroblastic anemia 1. Last evaluated: 2020-04-23. Review status: criteria provided, single submitter. Criteria: ICSLVariantClassificationCriteria RUGD 01 April 2020. Collection method: clinical testing. Allele origin: unknown.
Comment: The ALAS2 c.146C>T p.(Ser49Phe) variant is a missense variant which, to our knowledge, has not been reported in the peer-reviewed literature. This variant is reported in the Genome Aggregation Database in one allele at a frequency of 0.000032 in the East Asian population (version 4.0.0). Based on the evidence, the c.146C>T p.(Ser49Phe) variant is classified as a variant of uncertain significance for hereditary sideroblastic anemia.